The following is an entry in ClinVar:

ClinVar aggregate classification (germline): Pathogenic (0 of 4 stars; one submission).

Conditions:
Pulmonary hypertension, primary, 1 (PPH1). Also called: Pulmonary hypertension, familial primary, 1, with or without HHT. Identifiers: Orphanet 422, MedGen C4552070, MONDO:0024533, OMIM 178600.

Submission:

Rare Disease Genomics Group, St George's University of London
Classification: Pathogenic for Primary pulmonary hypertension. Review status: no assertion criteria provided. Collection method: literature only. Allele origin: germline. Affected: yes.
Comment: Deletion of 5â€™UTR - exon 1

Literature cited by the submitters: PubMed 19555857; PubMed 21801371; PubMed 26387786.

NM_001204.6(BMPR2):c.(?_-540)_(76+1_77-1)del

Genes: BMPR2 (bone morphogenetic protein receptor type 2; plus strand), LOC129935435 (ATAC-STARR-seq lymphoblastoid active region 17001; plus strand). Cytogenetic location: 2q33.1.
Variant type: Deletion.
Coding change: c.(?_-540)_(76+1_77-1)del on transcript NM_001204.6; a large deletion whose breakpoints are not mapped to the base.
Other names: c.?_-540_76+?del (NM_001204.6); c.(?_-540)_(76+1_77-1)del (LRG_712t1).
Identifiers: ClinVar variation 425669 (VCV000425669.1).